The following is an entry in ClinVar:

ClinVar aggregate classification (germline): Uncertain significance (1 of 4 stars; one submission).

Conditions:
Hereditary pancreatitis (PCTT). Also called: PRSS1-Related Hereditary Pancreatitis; Hereditary chronic pancreatitis. Identifiers: Orphanet 676, MedGen C0238339, MONDO:0008185, OMIM 167800.

Submission:

Ambry Genetics
Classification: Uncertain significance for Hereditary pancreatitis. Last evaluated: 2025-01-08. Review status: criteria provided, single submitter. Criteria: Ambry Variant Classification Scheme 2023. Collection method: clinical testing. Allele origin: germline.
Comment: The p.N139K variant (also known as c.417C>A), located in coding exon 4 of the CPA1 gene, results from a C to A substitution at nucleotide position 417. The asparagine at codon 139 is replaced by lysine, an amino acid with similar properties. This amino acid position is conserved. In addition, this alteration is predicted to be tolerated by in silico analysis. Based on the available evidence, the clinical significance of this variant remains unclear.

NM_001868.4(CPA1):c.417C>A (p.Asn139Lys)

Gene: CPA1 (carboxypeptidase A1; plus strand). Cytogenetic location: 7q32.2.
Variant type: single nucleotide variant.
Coding change: c.417C>A on transcript NM_001868.4 (MANE Select); coding-DNA position 417, C replaced by A.
Protein change: p.Asn139Lys; replaces asparagine 139 with lysine.
Molecular consequence: missense variant.
Genome position (GRCh38, 1-based): chr7:130,382,143, C>A. VCF-style: chr7-130382143-C-A. GRCh37 (hg19) VCF-style: chr7-130021984-C-A.
Other names: short protein forms N139K.
Identifiers: ClinVar variation 3835755 (VCV003835755.1).
Genomic context (GRCh38, chr7:130,382,143, plus strand): 5'-AGTGGTCTCTTCTTTCACACCTCAGATCTATGACTTCCTGGACCTGCTGGTGGCGGAGAA[C>A]CCGCACCTTGTCAGCAAGATCCAGATTGGCAACACCTATGAAGGGCGTCCCATTTACGTG-3'
Protein context (NP_001859.1, residues 129-149): YDFLDLLVAE[Asn139Lys]PHLVSKIQIG